The following is an entry in ClinVar:

ClinVar aggregate classification (germline): Likely benign. Review status: criteria provided, single submitter (1 of 4 stars). 2 submissions from 2 submitters: Likely benign (1). 1 of the submissions does not count toward it. Last evaluated 2023-07-25.

Conditions:
DNAL1-related disorder. Also called: DNAL1-related condition.
Primary ciliary dyskinesia 16. Also called: CILIARY DYSKINESIA, PRIMARY, 16, WITH OR WITHOUT SITUS INVERSUS. Identifiers: Orphanet 244, MedGen C3151460, MONDO:0013525, OMIM 614017.

Allele frequency attached by ClinVar (database versions not stated): gnomAD exomes below 0.00001.
gnomAD v4.1: 2 of 1,594,708 alleles (0.00013%); highest among the groups gnomAD compares: East Asian, 0.0023%; no homozygotes.

Submissions (2):

Labcorp Genetics (formerly Invitae), Labcorp
Classification: Likely benign for Primary ciliary dyskinesia 16. Last evaluated: 2023-07-25. Review status: criteria provided, single submitter. Criteria: Invitae Variant Classification Sherloc (09022015). Collection method: clinical testing. Allele origin: germline.

PreventionGenetics, part of Exact Sciences
Classification: Likely benign for DNAL1-related condition. Last evaluated: 2019-10-22. Review status: no assertion criteria provided. Collection method: clinical testing. Allele origin: germline. Not counted in ClinVar's aggregate classification.
Comment: This variant is classified as likely benign based on ACMG/AMP sequence variant interpretation guidelines (Richards et al. 2015 PMID: 25741868, with internal and published modifications).

NM_031427.4(DNAL1):c.43-9T>C

Gene: DNAL1 (dynein axonemal light chain 1; plus strand). Cytogenetic location: 14q24.3.
Variant type: single nucleotide variant.
Coding change: c.43-9T>C on transcript NM_031427.4 (MANE Select); 9 bases into the intron before coding-DNA position 43, T replaced by C.
Molecular consequence: intron variant.
Genome position (GRCh38, 1-based): chr14:73,658,838, T>C. VCF-style: chr14-73658838-T-C. GRCh37 (hg19) VCF-style: chr14-74125541-T-C.
Other names: c.-75-9T>C (NM_001201366.2).
Identifiers: ClinVar variation 708249 (VCV000708249.9), dbSNP rs1595204699, ClinGen allele CA915946337.
Genomic context (GRCh38, chr14:73,658,838, plus strand): 5'-AAATTCTGGCCTCTTTTGTTTCCACATTGCAATCATGGGTTATTTCTTCCAAATGTATTT[T>C]TCTCATAGGAAGAGAAAACTGGCCAGAGGCCATCTGAAGCCAAAGAGATAAAACTTTATG-3'